The following is an entry in ClinVar:

NM_000503.6(EYA1):c.1699-119_1699-116dup

Gene: EYA1 (EYA transcriptional coactivator and phosphatase 1; minus strand). Cytogenetic location: 8q13.3.
Variant type: Duplication.
Coding change: c.1699-119_1699-116dup on transcript NM_000503.6 (MANE Select); 119 bases into the intron before coding-DNA position 1699 through 116 bases into the intron before coding-DNA position 1699, 4 bases duplicated (TTAG; older notation c.1699-119_1699-116dupTTAG).
Molecular consequence: intron variant.
Genome position (GRCh38, 1-based): chr8:71,199,536-71,199,539, CTAA duplicated on the plus strand (TTAG on the coding strand, the reverse complement: EYA1 is on the minus strand); duplicating any 4 consecutive bases within chr8:71,199,536-71,199,540 gives the same sequence; the c. name uses the placement nearest the transcript's 3' end. VCF-style (leftmost placement, unchanged base first): chr8-71199535-G-GCTAA. GRCh37 (hg19) VCF-style: chr8-72111770-G-GCTAA.
Other names: c.1678-119_1678-116dup (NM_001370336.1); c.1786-119_1786-116dup (NM_001370333.1); c.1699-119_1699-116dup (NM_001370335.1, NM_001370334.1, NM_172058.4); c.1681-119_1681-116dup (NM_172059.5, NM_001288574.2); c.1333-119_1333-116dup (NM_001288575.2).
Identifiers: ClinVar variation 2444665 (VCV002444665.1), dbSNP rs546279077, ClinGen allele CA179471875.

ClinVar aggregate classification (germline): Likely benign (1 of 4 stars; one submission).

Submission:

GeneDx
Classification: Likely benign. Last evaluated: 2021-02-14. Review status: criteria provided, single submitter. Criteria: GeneDx Variant Classification Process June 2021. Collection method: clinical testing. Allele origin: germline. Affected: yes.
Comment: See Variant Classification Assertion Criteria.